The following is an entry in ClinVar:

NM_005765.3(ATP6AP2):c.490G>A (p.Val164Ile)

Gene: ATP6AP2 (ATPase H+ transporting accessory protein 2; plus strand). Cytogenetic location: Xp11.4.
Variant type: single nucleotide variant.
Coding change: c.490G>A on transcript NM_005765.3 (MANE Select); coding-DNA position 490, G replaced by A.
Protein change: p.Val164Ile; replaces valine 164 with isoleucine.
Molecular consequence: missense variant.
Genome position (GRCh38, 1-based): chrX:40,597,620, G>A. VCF-style: chrX-40597620-G-A. GRCh37 (hg19) VCF-style: chrX-40456872-G-A.
Other names: p.V164I:GTT>ATT; short protein forms V164I.
Identifiers: ClinVar variation 204912 (VCV000204912.16), dbSNP rs142013283, ClinGen allele CA313354.

ClinVar aggregate classification (germline): Conflicting classifications of pathogenicity. Review status: criteria provided, conflicting classifications (1 of 4 stars). 6 submissions from 5 submitters: Uncertain significance (4); Likely benign (2). Last evaluated 2026-02-03.

Conditions:
Inborn genetic diseases. Identifiers: MedGen C0950123, MeSH D030342.
X-linked parkinsonism-spasticity syndrome. Also called: Parkinsonism with spasticity, X-linked. Identifiers: Orphanet 363654, MedGen C3806722, MONDO:0010482, OMIM 300911.
Intellectual developmental disorder, X-linked, syndromic, Hedera type. Also called: Syndromic X-linked intellectual disability Hedera type. Identifiers: Orphanet 93952, MedGen C1845543, MONDO:0010319, OMIM 300423.
Congenital disorder of glycosylation, type IIr. Also called: CDG IIr. Identifiers: MedGen C5393313, MONDO:0026765, OMIM 301045.

Allele frequency attached by ClinVar (database versions not stated): gnomAD exomes 0.00001 and 0.00002; ExAC 0.00005; ESP Exome Variant Server 0.00009; gnomAD 0.00011 and 0.00013; TOPMed 0.00034; 1000 Genomes Project 0.00053; 1000 Genomes Project 30x 0.00062.

Submissions (6):

Women's Health and Genetics/Laboratory Corporation of America, LabCorp
Classification: Uncertain significance. Last evaluated: 2026-02-03. Review status: criteria provided, single submitter. Criteria: LabCorp Variant Classification Summary - May 2015. Collection method: clinical testing. Allele origin: germline.
Comment: Variant summary: ATP6AP2 c.490G>A (p.Val164Ile) results in a conservative amino acid change in the encoded protein sequence. Algorithms developed to predict the effect of missense changes on protein structure and function are either unavailable or do not agree on the potential impact of this missense change. The variant allele was found at a frequency of 2.2e-05 in 183442 control chromosomes. The available data on variant occurrences in the general population are insufficient to allow any conclusion about variant significance. To our knowledge, no occurrence of c.490G>A in individuals affected with ATP6AP2-related conditions and no experimental evidence demonstrating its impact on protein function have been reported. ClinVar contains an entry for this variant (Variation ID: 204912). Based on the evidence outlined above, the variant was classified as uncertain significance.

Labcorp Genetics (formerly Invitae), Labcorp
Classification: Uncertain significance for Intellectual developmental disorder, X-linked, syndromic, Hedera type. Last evaluated: 2025-09-15. Review status: criteria provided, single submitter. Criteria: Invitae Variant Classification Sherloc (09022015). Collection method: clinical testing. Allele origin: germline.
Comment: This sequence change replaces valine, which is neutral and non-polar, with isoleucine, which is neutral and non-polar, at codon 164 of the ATP6AP2 protein (p.Val164Ile). This variant is present in population databases (rs142013283, gnomAD 0.01%). This variant has not been reported in the literature in individuals affected with ATP6AP2-related conditions. ClinVar contains an entry for this variant (Variation ID: 204912). Invitae Evidence Modeling of protein sequence and biophysical properties (such as structural, functional, and spatial information, amino acid conservation, physicochemical variation, residue mobility, and thermodynamic stability) indicates that this missense variant is not expected to disrupt ATP6AP2 protein function with a negative predictive value of 80%. In summary, the available evidence is currently insufficient to determine the role of this variant in disease. Therefore, it has been classified as a Variant of Uncertain Significance.

Ambry Genetics
Classification: Likely benign for Inborn genetic diseases. Last evaluated: 2024-01-16. Review status: criteria provided, single submitter. Criteria: Ambry Variant Classification Scheme 2023. Collection method: clinical testing. Allele origin: germline.

GeneDx
Classification: Likely benign. Last evaluated: 2019-12-03. Review status: criteria provided, single submitter. Criteria: GeneDx Variant Classification Process June 2021. Collection method: clinical testing. Allele origin: germline. Affected: yes.

Center for Genomics, Ann and Robert H. Lurie Children's Hospital of Chicago
Classification: Uncertain significance for X-linked parkinsonism-spasticity syndrome; Intellectual developmental disorder, X-linked, syndromic, Hedera type. Last evaluated: 2018-10-25. Review status: criteria provided, single submitter. Criteria: ACMG Guidelines, 2015. Collection method: clinical testing. Allele origin: germline.
Comment: ATP6AP2 NM_005765.2 exon 5 p.Val164Ile (c.490G>A): This variant has not been reported in the literature but is present in 3/27186 Latino alleles, including 1 hemizygote in the Genome Aggregation Database. This variant is present in ClinVar (Variation ID:204912). This variant amino acid Isoleucine (Ile) is present in >30 species and is not well conserved among evolutionarily distant species; this suggests that this variant may not impact the protein. Additional computational prediction tools do not suggest an impact. In summary, data on this variant is insufficient for disease classification. Therefore, the clinical significance of this variant is uncertain.

Center for Genomics, Ann and Robert H. Lurie Children's Hospital of Chicago
Classification: Uncertain significance for Intellectual developmental disorder, X-linked, syndromic, Hedera type; X-linked parkinsonism-spasticity syndrome; Congenital disorder of glycosylation, type IIr. Review status: criteria provided, single submitter. Criteria: ACMG Guidelines, 2015. Collection method: clinical testing. Allele origin: germline.
Comment: ATP6AP2 NM_005765 exon 5 p.Val164Ile (c.490G>A): This variant has not been reported in the literature but is present in 3/27186 Latino alleles, including 1 hemizygote in the Genome Aggregation Database. This variant is present in ClinVar (Variation ID:204912). This variant amino acid Isoleucine (Ile) is present in >30 species and is not well conserved among evolutionarily distant species; this suggests that this variant may not impact the protein. Additional computational prediction tools do not suggest an impact. In summary, data on this variant is insufficient for disease classification. Therefore, the clinical significance of this variant is uncertain.